The following is an entry in ClinVar:

ClinVar aggregate classification (germline): Uncertain significance (1 of 4 stars; one submission).

Submission:

Labcorp Genetics (formerly Invitae), Labcorp
Classification: Uncertain significance. Last evaluated: 2021-03-08. Review status: criteria provided, single submitter. Criteria: Invitae Variant Classification Sherloc (09022015). Collection method: clinical testing. Allele origin: germline.
Comment: This sequence change replaces alanine with valine at codon 740 of the STAT4 protein (p.Ala740Val). The alanine residue is moderately conserved and there is a small physicochemical difference between alanine and valine. This variant is not present in population databases (ExAC no frequency). This variant has not been reported in the literature in individuals with STAT4-related conditions. Algorithms developed to predict the effect of missense changes on protein structure and function (SIFT, PolyPhen-2, Align-GVGD) all suggest that this variant is likely to be tolerated, but these predictions have not been confirmed by published functional studies and their clinical significance is uncertain. Algorithms developed to predict the effect of sequence changes on RNA splicing suggest that this variant may disrupt the consensus splice site, but this prediction has not been confirmed by published transcriptional studies. In summary, the available evidence is currently insufficient to determine the role of this variant in disease. Therefore, it has been classified as a Variant of Uncertain Significance.

NM_003151.4(STAT4):c.2219C>T (p.Ala740Val)

Genes: STAT4 (signal transducer and activator of transcription 4; minus strand), STAT4-AS1 (STAT4 antisense RNA 1; plus strand). Cytogenetic location: 2q32.2.
Variant type: single nucleotide variant.
Coding change: c.2219C>T on transcript NM_003151.4 (MANE Select); coding-DNA position 2219, C replaced by T.
Protein change: p.Ala740Val; replaces alanine 740 with valine.
Molecular consequence: missense variant. On other transcripts: non-coding transcript variant (1).
Genome position (GRCh38, 1-based): chr2:191,030,973, G>A on the plus strand (C>T on the coding strand, the complement: STAT4 is on the minus strand). VCF-style: chr2-191030973-G-A. GRCh37 (hg19) VCF-style: chr2-191895699-G-A.
Other names: c.2219C>T, p.Ala740Val (NM_001243835.2); short protein forms A740V.
Identifiers: ClinVar variation 1377331 (VCV001377331.8), dbSNP rs2125134034, ClinGen allele CA349906096.
Genomic context (GRCh38, chr2:191,030,973, plus strand): 5'-ACCACCTTTGCATCGTTGGAAACACCTTTGACCAGCAATGGAAAATAAAGGGAACATACT[G>A]CAGTTTCAATTGTTGTGGGACTCAGGTTTTCTCTCAACACCGCATACACACTTGGAGACA-3'
Protein context (NP_003142.1, residues 730-748): ENLSPTTIET[Ala740Val]MKSPYSAE